The following is an entry in ClinVar:

NM_001371623.1(TCOF1):c.2248A>G (p.Thr750Ala)

Gene: TCOF1 (treacle ribosome biogenesis factor 1; plus strand). Cytogenetic location: 5q32.
Variant type: single nucleotide variant.
Coding change: c.2248A>G on transcript NM_001371623.1 (MANE Select); coding-DNA position 2248, A replaced by G.
Protein change: p.Thr750Ala; replaces threonine 750 with alanine.
Molecular consequence: missense variant.
Genome position (GRCh38, 1-based): chr5:150,376,528, A>G. VCF-style: chr5-150376528-A-G. GRCh37 (hg19) VCF-style: chr5-149756091-A-G.
Other names: c.2017A>G, p.Thr673Ala (NM_000356.4, NM_001135245.2); c.2248A>G, p.Thr750Ala (NM_001008657.3, NM_001135243.2, NM_001135244.2 and 1 more transcripts); short protein forms T673A, T750A.
Identifiers: ClinVar variation 703768 (VCV000703768.13), dbSNP rs149384321, ClinGen allele CA3511140.

ClinVar aggregate classification (germline): Likely benign. Review status: criteria provided, single submitter (1 of 4 stars). 2 submissions from 2 submitters: Likely benign (1). 1 of the submissions does not count toward it. Last evaluated 2025-08-18.

Conditions:
Treacher Collins syndrome 1 (TCS1). Also called: TCOF1-Related Treacher Collins Syndrome. Identifiers: Orphanet 861, MedGen CN315775, MONDO:0007944, OMIM 154500.
TCOF1-related disorder. Also called: TCOF1-related condition.

Allele frequency attached by ClinVar (database versions not stated): gnomAD exomes 0.00003 and 0.00007; ExAC 0.00012; ESP Exome Variant Server 0.00031; TOPMed 0.00035; gnomAD 0.00039 and 0.00040; 1000 Genomes Project 0.00060; 1000 Genomes Project 30x 0.00078.
gnomAD v4.1: 115 of 1,611,368 alleles (0.0071%); highest among the groups gnomAD compares: African/African-American, 0.13%; no homozygotes.

Submissions (2):

Labcorp Genetics (formerly Invitae), Labcorp
Classification: Likely benign for Treacher Collins syndrome 1. Last evaluated: 2025-08-18. Review status: criteria provided, single submitter. Criteria: Invitae Variant Classification Sherloc (09022015). Collection method: clinical testing. Allele origin: germline.

PreventionGenetics, part of Exact Sciences
Classification: Likely benign for TCOF1-related condition. Last evaluated: 2022-02-08. Review status: no assertion criteria provided. Collection method: clinical testing. Allele origin: germline. Not counted in ClinVar's aggregate classification.
Comment: This variant is classified as likely benign based on ACMG/AMP sequence variant interpretation guidelines (Richards et al. 2015 PMID: 25741868, with internal and published modifications).